The following is an entry in ClinVar:

NM_002439.5(MSH3):c.1342G>C (p.Val448Leu)

Gene: MSH3 (mutS homolog 3; plus strand). Cytogenetic location: 5q14.1.
Variant type: single nucleotide variant.
Coding change: c.1342G>C on transcript NM_002439.5 (MANE Select); coding-DNA position 1342, G replaced by C.
Protein change: p.Val448Leu; replaces valine 448 with leucine.
Molecular consequence: missense variant.
Genome position (GRCh38, 1-based): chr5:80,725,454, G>C. VCF-style: chr5-80725454-G-C. GRCh37 (hg19) VCF-style: chr5-80021273-G-C.
Other names: short protein forms V448L.
Identifiers: ClinVar variation 3222234 (VCV003222234.1), dbSNP rs1743268633, ClinGen allele CA360273339.

ClinVar aggregate classification (germline): Uncertain significance (1 of 4 stars; one submission).

Conditions:
Hereditary cancer-predisposing syndrome. Also called: Tumor predisposition; Hereditary neoplastic syndrome; Hereditary Cancer Syndrome; Neoplastic Syndromes, Hereditary. Identifiers: Orphanet 140162, MedGen C0027672, MeSH D009386, MONDO:0015356.

Submission:

Ambry Genetics
Classification: Uncertain significance for Hereditary cancer-predisposing syndrome. Last evaluated: 2023-09-27. Review status: criteria provided, single submitter. Criteria: Ambry Variant Classification Scheme 2023. Collection method: clinical testing. Allele origin: germline.
Comment: The p.V448L variant (also known as c.1342G>C), located in coding exon 9 of the MSH3 gene, results from a G to C substitution at nucleotide position 1342. The valine at codon 448 is replaced by leucine, an amino acid with highly similar properties. This amino acid position is conserved. In addition, this alteration is predicted to be tolerated by in silico analysis. Since supporting evidence is limited at this time, the clinical significance of this alteration remains unclear.